The following is an entry in ClinVar:

NM_000214.3(JAG1):c.236T>G (p.Leu79Arg)

Gene: JAG1 (jagged canonical Notch ligand 1; minus strand). Cytogenetic location: 20p12.2.
Variant type: single nucleotide variant.
Coding change: c.236T>G on transcript NM_000214.3 (MANE Select); coding-DNA position 236, T replaced by G.
Protein change: p.Leu79Arg; replaces leucine 79 with arginine.
Molecular consequence: missense variant.
Genome position (GRCh38, 1-based): chr20:10,672,852, A>C on the plus strand (T>G on the coding strand, the complement: JAG1 is on the minus strand). VCF-style: chr20-10672852-A-C. GRCh37 (hg19) VCF-style: chr20-10653500-A-C.
Other names: short protein forms L79R.
Identifiers: ClinVar variation 3573429 (VCV003573429.2).

Conditions:
Arteriohepatic dysplasia. Also called: Alagille Syndrome. Identifiers: Orphanet 52, MedGen C0085280, MeSH D016738, MONDO:0007318.

Submission:

Gilbert/Spinner Lab, Children's Hospital of Philadelphia
No classification provided (evidence only). Condition: Alagille syndrome. Review status: no classification provided. Collection method: research. Allele origin: not applicable. Functional consequence: functionally_abnormal.
ClinVar note: "not provided" was previously submitted as the classification for the variant. However, the classification appeared to be based only on an observation of functional data so it was converted to no classification on 2025-07-30.